The following is an entry in ClinVar:

NM_000059.4(BRCA2):c.1900_1901insTT (p.Ala634fs)

Gene: BRCA2 (BRCA2 DNA repair associated; plus strand). Cytogenetic location: 13q13.1.
Variant type: Insertion.
Coding change: c.1900_1901insTT on transcript NM_000059.4 (MANE Select); coding-DNA positions 1900 to 1901, TT inserted.
Protein change: p.Ala634fs; shifts the reading frame from alanine 634.
Molecular consequence: frameshift variant.
Genome position: GRCh38 VCF-style: chr13-32333378-G-GTT. GRCh37 (hg19) VCF-style: chr13-32907515-G-GTT.
Other names: 2128insTT; short protein forms A634fs.
Identifiers: ClinVar variation 266667 (VCV000266667.5), dbSNP rs886040395, ClinGen allele CA10589126.

ClinVar aggregate classification (germline): Pathogenic. Review status: reviewed by expert panel (3 of 4 stars). 2 submissions from 2 submitters: Pathogenic (1). 1 of the submissions does not count toward it. Last evaluated 2016-10-18.

Conditions:
Breast-ovarian cancer, familial, susceptibility to, 2 (BROVCA2). Also called: BRCA2 Hereditary Breast and Ovarian Cancer. Identifiers: Orphanet 145, MedGen C2675520, MONDO:0012933, OMIM 612555. Disease mechanism: loss of function.

Submissions (2):

Evidence-based Network for the Interpretation of Germline Mutant Alleles (ENIGMA)
Classification: Pathogenic for Breast-ovarian cancer, familial, susceptibility to, 2. Last evaluated: 2016-10-18. Review status: reviewed by expert panel. Criteria: ENIGMA BRCA1/2 Classification Criteria (2015). Collection method: curation. Allele origin: germline.
Comment: Variant allele predicted to encode a truncated non-functional protein.

Consortium of Investigators of Modifiers of BRCA1/2 (CIMBA), c/o University of Cambridge
Classification: Pathogenic for Breast-ovarian cancer, familial, susceptibility to, 2. Last evaluated: 2015-10-02. Review status: criteria provided, single submitter. Criteria: CIMBA Mutation Classification guidelines May 2016. Collection method: clinical testing. Allele origin: germline. Not counted in ClinVar's aggregate classification.